The following is an entry in ClinVar:

NM_014049.5(ACAD9):c.843T>C (p.Pro281=)

Gene: ACAD9 (acyl-CoA dehydrogenase family member 9; plus strand). Cytogenetic location: 3q21.3.
Variant type: single nucleotide variant.
Coding change: c.843T>C on transcript NM_014049.5 (MANE Select); coding-DNA position 843, T replaced by C.
Protein change: p.Pro281=; no amino-acid change (proline 281 retained).
Molecular consequence: synonymous variant. On other transcripts: non-coding transcript variant (1).
Genome position (GRCh38, 1-based): chr3:128,901,310, T>C. VCF-style: chr3-128901310-T-C. GRCh37 (hg19) VCF-style: chr3-128620153-T-C.
Other names: c.474T>C, p.Pro158= (NM_001410805.1); c.843T>C (NM_014049.4).
Identifiers: ClinVar variation 2891779 (VCV002891779.5), dbSNP rs890617682, ClinGen allele CA82530718.
Genomic context (GRCh38, chr3:128,901,310, plus strand): 5'-GATATCTTAAATTTCATGTGTTTCAGCTTGTGAAGTCCATTTTGAAAACACCAAGATACC[T>C]GTGGAAAACATCCTTGGAGAGGTCGGAGATGGGTTTAAGGTGAGTTGCCAGCCACAGCCC-3'
Protein context (NP_054768.2, residues 271-291): CEVHFENTKI[Pro281=]VENILGEVGD

ClinVar aggregate classification (germline): Likely benign. Review status: criteria provided, single submitter (1 of 4 stars). 2 submissions from 2 submitters: Likely benign (1). 1 of the submissions does not count toward it. Last evaluated 2024-02-07.

Conditions:
ACAD9-related disorder. Also called: ACAD9-related condition.

Allele frequency attached by ClinVar (database versions not stated): gnomAD exomes 0.00001.
gnomAD v4.1: 3 of 1,614,158 alleles (0.00019%); highest among the groups gnomAD compares: African/African-American, 0.004%; no homozygotes.

Submissions (2):

Labcorp Genetics (formerly Invitae), Labcorp
Classification: Likely benign. Last evaluated: 2024-02-07. Review status: criteria provided, single submitter. Criteria: Invitae Variant Classification Sherloc (09022015). Collection method: clinical testing. Allele origin: germline.

PreventionGenetics, part of Exact Sciences
Classification: Likely benign for ACAD9-related condition. Last evaluated: 2019-07-12. Review status: no assertion criteria provided. Collection method: clinical testing. Allele origin: germline. Not counted in ClinVar's aggregate classification.
Comment: This variant is classified as likely benign based on ACMG/AMP sequence variant interpretation guidelines (Richards et al. 2015 PMID: 25741868, with internal and published modifications).